The following is an entry in ClinVar:

NM_022437.3(ABCG8):c.561+43T>C

Gene: ABCG8 (ATP binding cassette subfamily G member 8; plus strand). Cytogenetic location: 2p21.
Variant type: single nucleotide variant.
Coding change: c.561+43T>C on transcript NM_022437.3 (MANE Select); 43 bases into the intron after coding-DNA position 561, T replaced by C.
Molecular consequence: intron variant.
Genome position (GRCh38, 1-based): chr2:43,851,865, T>C. VCF-style: chr2-43851865-T-C. GRCh37 (hg19) VCF-style: chr2-44079004-T-C.
Other names: c.561+43T>C (NM_001357321.2, NM_022437.2).
Identifiers: ClinVar variation 1188927 (VCV001188927.7), dbSNP rs4148214, ClinGen allele CA1637060.
Genomic context (GRCh38, chr2:43,851,865, plus strand): 5'-GCCCAGCGTGACAAAAGGGTAACTAACTGGCCCCAGTGGTGACCCCCAGGTCCAAGAAGC[T>C]ACAGTGTCCATGCCCCGCTCCTCCCCTGCTGCCTTGCCTCAGGACCCAGCCGCAGGTCGA-3'

ClinVar aggregate classification (germline): Benign. Review status: criteria provided, multiple submitters, no conflicts (2 of 4 stars). 4 submissions from 4 submitters: Benign (4). Last evaluated 2026-09-21.

Conditions:
Sitosterolemia 1. Identifiers: MedGen C2749759, MONDO:0020747, OMIM 210250.

Allele frequency attached by ClinVar (database versions not stated): gnomAD exomes 0.61379 and 0.58161; 1000 Genomes Project 0.68371; gnomAD 0.60964 and 0.60441; ExAC 0.61770; 1000 Genomes Project 30x 0.67630; TOPMed 0.60657; ESP Exome Variant Server 0.59488.
gnomAD v4.1: 935,816 of 1,601,100 alleles (58%); highest among the groups gnomAD compares: East Asian, 84%; 277,046 homozygotes.

Submissions (4):

Molecular Diagnostic Laboratory for Inherited Cardiovascular Disease, Montreal Heart Institute
Classification: Benign. Last evaluated: 2026-09-21. Review status: criteria provided, single submitter. Criteria: ACMG Guidelines, 2015. Collection method: clinical testing. Allele origin: germline. Affected: no.
Comment: BA1

Genome-Nilou Lab
Classification: Benign for Sitosterolemia 1. Last evaluated: 2021-07-14. Review status: criteria provided, single submitter. Criteria: ACMG Guidelines, 2015. Collection method: clinical testing. Allele origin: germline. Affected: no.

GeneDx
Classification: Benign. Last evaluated: 2018-07-09. Review status: criteria provided, single submitter. Criteria: GeneDx Variant Classification Process June 2021. Collection method: clinical testing. Allele origin: germline. Affected: yes.

Breakthrough Genomics
Classification: Benign. Review status: criteria provided, single submitter. Criteria: ACMG Guidelines, 2015. Collection method: not provided. Allele origin: germline. Inheritance: Autosomal recessive inheritance. Affected: yes.